The following is an entry in ClinVar:

NM_175875.5(SIX5):c.576C>T (p.Phe192=)

Genes: DM1-AS (DM1 locus antisense RNA; plus strand), SIX5 (SIX homeobox 5; minus strand), LOC107075317 (origin of replication in DMPK trinucleotide repeat region; plus strand). Cytogenetic location: 19q13.32.
Variant type: single nucleotide variant.
Coding change: c.576C>T on transcript NM_175875.5 (MANE Select); coding-DNA position 576, C replaced by T.
Protein change: p.Phe192=; no amino-acid change (phenylalanine 192 retained).
Molecular consequence: synonymous variant.
Genome position (GRCh38, 1-based): chr19:45,768,269, G>A on the plus strand (C>T on the coding strand, the complement: SIX5 is on the minus strand). VCF-style: chr19-45768269-G-A. GRCh37 (hg19) VCF-style: chr19-46271527-G-A.
Identifiers: ClinVar variation 744309 (VCV000744309.34), dbSNP rs368106223, ClinGen allele CA9520820.

ClinVar aggregate classification (germline): Likely benign. Review status: criteria provided, multiple submitters, no conflicts (2 of 4 stars). 5 submissions from 5 submitters: Likely benign (4). 1 of the submissions does not count toward it. Last evaluated 2025-12-13.

Conditions:
SIX5-related disorder. Also called: SIX5-related condition.

Allele frequency attached by ClinVar (database versions not stated): gnomAD 0.00003 and 0.00004; TOPMed 0.00005; gnomAD exomes 0.00006; ExAC 0.00011; ESP Exome Variant Server 0.00015.
gnomAD v4.1: 94 of 1,612,698 alleles (0.0058%); highest among the groups gnomAD compares: Middle Eastern, 0.21%; 1 homozygote.

Submissions (5):

Labcorp Genetics (formerly Invitae), Labcorp
Classification: Likely benign. Last evaluated: 2025-12-13. Review status: criteria provided, single submitter. Criteria: Invitae Variant Classification Sherloc (09022015). Collection method: clinical testing. Allele origin: germline.

Blueprint Genetics
Classification: Likely benign. Last evaluated: 2023-05-26. Review status: criteria provided, single submitter. Criteria: ACMG Guidelines, 2015. Collection method: clinical testing. Allele origin: germline.

CeGaT Center for Human Genetics Tuebingen
Classification: Likely benign. Last evaluated: 2023-04-01. Review status: criteria provided, single submitter. Criteria: CeGaT Center For Human Genetics Tuebingen Variant Classification Criteria Version 2. Collection method: clinical testing. Allele origin: germline. Affected: yes. Observed: 1 variant allele.
Comment: SIX5: BP4, BP7

Breakthrough Genomics
Classification: Likely benign. Review status: criteria provided, single submitter. Criteria: ACMG Guidelines, 2015. Collection method: not provided. Allele origin: germline. Inheritance: Unknown mechanism. Affected: yes.

PreventionGenetics, part of Exact Sciences
Classification: Likely benign for SIX5-related condition. Last evaluated: 2020-01-29. Review status: no assertion criteria provided. Collection method: clinical testing. Allele origin: germline. Not counted in ClinVar's aggregate classification.
Comment: This variant is classified as likely benign based on ACMG/AMP sequence variant interpretation guidelines (Richards et al. 2015 PMID: 25741868, with internal and published modifications).